The following is an entry in ClinVar:

ClinVar aggregate classification (germline): Conflicting classifications of pathogenicity. Review status: criteria provided, conflicting classifications (1 of 4 stars). 5 submissions from 5 submitters: Uncertain significance (1); Likely benign (4). Last evaluated 2026-01-18.

Conditions:
Cardiovascular phenotype. Identifiers: MedGen CN230736.
Catecholaminergic polymorphic ventricular tachycardia (CVPT). Also called: Catecholamine-induced polymorphic ventricular tachycardia. Identifiers: Orphanet 3286, MedGen C5574922, MONDO:0017990.
Cardiomyopathy (CMYO). Also called: Cardiomyopathies. Identifiers: Orphanet 167848, MedGen C0878544, MONDO:0004994, HP:0001638. Inheritance: Various modes of inheritance.
Catecholaminergic polymorphic ventricular tachycardia 1. Also called: RYR2-Related Catecholaminergic Polymorphic Ventricular Tachycardia; VENTRICULAR TACHYCARDIA, CATECHOLAMINERGIC POLYMORPHIC, 1, WITH OR WITHOUT ATRIAL DYSFUNCTION AND/OR DILATED CARDIOMYOPATHY; VENTRICULAR TACHYCARDIA, STRESS-INDUCED POLYMORPHIC 1. Identifiers: Orphanet 3286, MedGen C1631597, MONDO:0011484, OMIM 604772.

Allele frequency attached by ClinVar (database versions not stated): TOPMed below 0.00001; gnomAD 0.00001; ExAC 0.00004; gnomAD exomes 0.00001 and 0.00002.
gnomAD v4.1: 22 of 1,612,420 alleles (0.0014%); highest among the groups gnomAD compares: South Asian, 0.0066%; no homozygotes.

Submissions (5):

Labcorp Genetics (formerly Invitae), Labcorp
Classification: Likely benign for Catecholaminergic polymorphic ventricular tachycardia 1. Last evaluated: 2026-01-18. Review status: criteria provided, single submitter. Criteria: Invitae Variant Classification Sherloc (09022015). Collection method: clinical testing. Allele origin: germline.

All of Us Research Program, National Institutes of Health
Classification: Likely benign for Catecholaminergic polymorphic ventricular tachycardia. Last evaluated: 2023-07-10. Review status: criteria provided, single submitter. Criteria: ACMG Guidelines, 2015. Collection method: clinical testing. Allele origin: germline. Inheritance: Autosomal dominant inheritance. Observed: 5 variant alleles, 5 heterozygotes.
Comment: This study involves interpretation of variants in research participants for the purpose of population health screening. Participant phenotype was not available at the time of variant classification. Additional details can be found in publication PMID: 35346344, PMCID: PMC8962531

Color Diagnostics, LLC DBA Color Health
Classification: Likely benign for Cardiomyopathy. Last evaluated: 2020-01-24. Review status: criteria provided, single submitter. Criteria: ACMG Guidelines, 2015. Collection method: clinical testing. Allele origin: germline.

Ambry Genetics
Classification: Likely benign for Cardiovascular phenotype. Last evaluated: 2018-03-06. Review status: criteria provided, single submitter. Criteria: Ambry Variant Classification Scheme 2023. Collection method: clinical testing. Allele origin: germline.

Eurofins Ntd Llc (ga)
Classification: Uncertain significance. Last evaluated: 2016-11-16. Review status: criteria provided, single submitter. Criteria: EGL Classification Definitions 2015. Collection method: clinical testing. Allele origin: germline. Observed: 1 variant allele, 1 heterozygote.

NM_001035.3(RYR2):c.4752G>A (p.Pro1584=)

Gene: RYR2 (ryanodine receptor 2; plus strand). Cytogenetic location: 1q43.
Variant type: single nucleotide variant.
Coding change: c.4752G>A on transcript NM_001035.3 (MANE Select); coding-DNA position 4752, G replaced by A.
Protein change: p.Pro1584=; no amino-acid change (proline 1584 retained).
Molecular consequence: synonymous variant.
Genome position (GRCh38, 1-based): chr1:237,610,830, G>A. VCF-style: chr1-237610830-G-A. GRCh37 (hg19) VCF-style: chr1-237774130-G-A.
Other names: c.4752G>A (NM_001035.2); c.4752G>A, p.Pro1584= (LRG_402t1).
Identifiers: ClinVar variation 497951 (VCV000497951.13), dbSNP rs780111656, ClinGen allele CA086728.